The following is an entry in ClinVar:

NM_001148.6(ANK2):c.5750C>T (p.Ser1917Leu)

Genes: ANK2 (ankyrin 2; plus strand), LOC126807136 (MED14-independent group 3 enhancer GRCh37_chr4:114274931-114276130; plus strand). Cytogenetic location: 4q26.
Variant type: single nucleotide variant.
Coding change: c.5750C>T on transcript NM_001148.6 (MANE Select); coding-DNA position 5750, C replaced by T.
Protein change: p.Ser1917Leu; replaces serine 1917 with leucine.
Molecular consequence: missense variant. On other transcripts: intron variant (68).
Genome position (GRCh38, 1-based): chr4:113,354,368, C>T. VCF-style: chr4-113354368-C-T. GRCh37 (hg19) VCF-style: chr4-114275524-C-T.
Other names: c.5516C>T, p.Ser1839Leu (NM_001386142.1); c.2150C>T, p.Ser717Leu (NM_001386166.1); c.5891C>T, p.Ser1964Leu (NM_001386174.1); c.5867C>T, p.Ser1956Leu (NM_001386175.1); c.4411+4119C>T (NM_001386186.2, NM_001386148.2); c.4213+4119C>T (NM_001354269.3); c.4291+4119C>T (NM_001386187.2); c.4252+4119C>T (NM_001386147.1); and 35 more; short protein forms S1839L, S1917L, S1956L, S1964L, S717L.
Identifiers: ClinVar variation 3252190 (VCV003252190.2), dbSNP rs200929000.

ClinVar aggregate classification (germline): Conflicting classifications of pathogenicity. Review status: criteria provided, conflicting classifications (1 of 4 stars). 2 submissions from 2 submitters: Uncertain significance (1); Likely benign (1). Last evaluated 2025-10-16.

Conditions:
Cardiovascular phenotype. Identifiers: MedGen CN230736.

Allele frequency attached by ClinVar (database versions not stated): gnomAD 0.00001; TOPMed 0.00002; 1000 Genomes Project 0.00020; 1000 Genomes Project 30x 0.00031; gnomAD exomes 0.00001; ExAC 0.00004.
gnomAD v4.1: 20 of 1,614,066 alleles (0.0012%); highest among the groups gnomAD compares: East Asian, 0.025%; no homozygotes.

Submissions (2):

Ambry Genetics
Classification: Likely benign for Cardiovascular phenotype. Last evaluated: 2025-10-16. Review status: criteria provided, single submitter. Criteria: Ambry Variant Classification Scheme 2023. Collection method: clinical testing. Allele origin: germline.

GeneDx
Classification: Uncertain significance. Last evaluated: 2023-12-05. Review status: criteria provided, single submitter. Criteria: GeneDx Variant Classification Process June 2021. Collection method: clinical testing. Allele origin: germline. Affected: yes.
Comment: Has not been previously published as pathogenic or benign in association with arrhythmia to our knowledge; In silico analysis supports that this missense variant does not alter protein structure/function; Located in exon 38, which is reported as being expressed in a brain-specific transcript (PMID: 1830053, 18790697, 26109584); This variant is associated with the following publications: (PMID: 1830053, 18790697, 26109584, 30564305)